The following is an entry in ClinVar:

NC_000005.10:g.(?_80656401)_(80656541_?)del

Gene: MSH3 (mutS homolog 3; plus strand). Cytogenetic location: 5q14.1.
Variant type: Deletion.
Identifiers: ClinVar variation 832965 (VCV000832965.5).

ClinVar aggregate classification (germline): Pathogenic (1 of 4 stars; one submission).

Submission:

Labcorp Genetics (formerly Invitae), Labcorp
Classification: Pathogenic. Last evaluated: 2023-10-06. Review status: criteria provided, single submitter. Criteria: Invitae Variant Classification Sherloc (09022015). Collection method: clinical testing. Allele origin: germline.
Comment: This variant is a gross deletion of the genomic region encompassing exon(s) 2 of the MSH3 gene. This deletion is out-of-frame, and is expected to create a premature termination codon and result in an absent or disrupted protein product. Loss-of-function variants in MSH3 are known to be pathogenic (PMID: 27476653, 37402566). This variant has not been reported in the literature in individuals affected with MSH3-related conditions. For these reasons, this variant has been classified as Pathogenic.

Literature cited by the submitters: PubMed 27476653; PubMed 37402566.